The following is an entry in ClinVar:

ClinVar aggregate classification (germline): Uncertain significance (1 of 4 stars; one submission).

Conditions:
Inborn genetic diseases. Identifiers: MedGen C0950123, MeSH D030342.

Submission:

Ambry Genetics
Classification: Uncertain significance for Inborn genetic diseases. Last evaluated: 2018-03-19. Review status: criteria provided, single submitter. Criteria: Ambry Variant Classification Scheme 2023. Collection method: clinical testing. Allele origin: germline.
Comment: The c.4017_4019delTAC variant (also known as p.T1340del) is located in coding exon 18 of the POGZ gene. This variant results from an in-frame TAC deletion at nucleotide positions 4017 to 4019. This results in the in-frame deletion of a threonine at codon 1340. This amino acid position is not well conserved in available vertebrate species. In addition, this alteration is predicted to be neutral by PROVEAN in silico analysis (Choi Y et al., PLoS ONE 2012; 7(10):e46688). Since supporting evidence is limited at this time, the clinical significance of this alteration remains unclear.

NM_015100.4(POGZ):c.4017_4019del (p.Thr1340del)

Gene: POGZ (pogo transposable element derived with ZNF domain; minus strand). Cytogenetic location: 1q21.3.
Variant type: Deletion.
Coding change: c.4017_4019del on transcript NM_015100.4 (MANE Select); coding-DNA positions 4017 to 4019, 3 bases deleted (TAC; older notation c.4017_4019delTAC).
Protein change: p.Thr1340del; deletes threonine 1340.
Molecular consequence: inframe deletion. On other transcripts: inframe indel (1).
Genome position (GRCh38, 1-based): chr1:151,405,016-151,405,018, GTA deleted on the plus strand (TAC on the coding strand, the reverse complement: POGZ is on the minus strand); deleting any 3 consecutive bases within chr1:151,405,016-151,405,019 gives the same sequence; the c. name uses the placement nearest the transcript's 3' end. VCF-style (leftmost placement, unchanged base first): chr1-151405015-TGTA-T. GRCh37 (hg19) VCF-style: chr1-151377491-TGTA-T.
Other names: c.3990_3992del, p.Thr1331del (NM_001194937.2); c.3831_3833del, p.Thr1278del (NM_001194938.2); c.4037_4039delCTA, p.Thr1347del (NM_001410860.1); c.3732_3734del, p.Thr1245del (NM_145796.4); c.3858_3860del, p.Thr1287del (NM_207171.2); short protein forms T1278del, T1287del, T1331del, T1245del, T1340del, T1347del.
Identifiers: ClinVar variation 1737066 (VCV001737066.2), dbSNP rs2529193051, ClinGen allele CA2580061007.